The following is an entry in ClinVar:

ClinVar aggregate classification (germline): Uncertain significance. Review status: criteria provided, multiple submitters, no conflicts (2 of 4 stars). 3 submissions from 3 submitters: Uncertain significance (3). Last evaluated 2025-05-19.

Conditions:
DNA ligase IV deficiency. Identifiers: Orphanet 99812, MedGen C1847827, MONDO:0011686, OMIM 606593.
Inborn genetic diseases. Identifiers: MedGen C0950123, MeSH D030342.

Allele frequency attached by ClinVar (database versions not stated): gnomAD 0.00001 and 0.00003; TOPMed 0.00001; gnomAD exomes 0.00010; ExAC 0.00014; 1000 Genomes Project 30x 0.00031; 1000 Genomes Project 0.00040.

Submissions (3):

Ambry Genetics
Classification: Uncertain significance for Inborn genetic diseases. Last evaluated: 2025-05-19. Review status: criteria provided, single submitter. Criteria: Ambry Variant Classification Scheme 2023. Collection method: clinical testing. Allele origin: germline.

Blueprint Genetics
Classification: Uncertain significance. Last evaluated: 2024-07-11. Review status: criteria provided, single submitter. Criteria: ACMG Guidelines, 2015. Collection method: clinical testing. Allele origin: germline.

Labcorp Genetics (formerly Invitae), Labcorp
Classification: Uncertain significance for DNA ligase IV deficiency. Last evaluated: 2022-06-27. Review status: criteria provided, single submitter. Criteria: Invitae Variant Classification Sherloc (09022015). Collection method: clinical testing. Allele origin: germline.
Comment: This sequence change replaces arginine, which is basic and polar, with tryptophan, which is neutral and slightly polar, at codon 802 of the LIG4 protein (p.Arg802Trp). This variant is present in population databases (rs545309994, gnomAD 0.08%). This variant has not been reported in the literature in individuals affected with LIG4-related conditions. ClinVar contains an entry for this variant (Variation ID: 565703). Algorithms developed to predict the effect of missense changes on protein structure and function are either unavailable or do not agree on the potential impact of this missense change (SIFT: "Deleterious"; PolyPhen-2: "Possibly Damaging"; Align-GVGD: "Class C0"). In summary, the available evidence is currently insufficient to determine the role of this variant in disease. Therefore, it has been classified as a Variant of Uncertain Significance.

NM_206937.2(LIG4):c.2404C>T (p.Arg802Trp)

Gene: LIG4 (DNA ligase 4; minus strand). Cytogenetic location: 13q33.3.
Variant type: single nucleotide variant.
Coding change: c.2404C>T on transcript NM_206937.2 (MANE Select); coding-DNA position 2404, C replaced by T.
Protein change: p.Arg802Trp; replaces arginine 802 with tryptophan.
Molecular consequence: missense variant.
Genome position (GRCh38, 1-based): chr13:108,208,865, G>A on the plus strand (C>T on the coding strand, the complement: LIG4 is on the minus strand). VCF-style: chr13-108208865-G-A. GRCh37 (hg19) VCF-style: chr13-108861213-G-A.
Other names: c.2404C>T, p.Arg802Trp (NM_001098268.2, NM_001352598.2, NM_001352599.2 and 6 more transcripts); c.2203C>T, p.Arg735Trp (NM_001330595.2); c.2440C>T, p.Arg814Trp (NM_001352604.2); short protein forms R802W, R735W, R814W.
Identifiers: ClinVar variation 565703 (VCV000565703.8), dbSNP rs545309994, ClinGen allele CA7043511.